The following is an entry in ClinVar:

ClinVar aggregate classification (germline): Uncertain significance. Review status: criteria provided, multiple submitters, no conflicts (2 of 4 stars). 2 submissions from 2 submitters: Uncertain significance (2). Last evaluated 2018-09-25.

Conditions:
Familial thoracic aortic aneurysm and aortic dissection (TAAD). Also called: Thoracic aortic aneurysms and dissections. Identifiers: Orphanet 91387, MedGen C4707243, MONDO:0019625.

Submissions (2):

Ambry Genetics
Classification: Uncertain significance for Familial thoracic aortic aneurysm and aortic dissection. Last evaluated: 2018-09-25. Review status: criteria provided, single submitter. Criteria: Ambry Variant Classification Scheme 2023. Collection method: clinical testing. Allele origin: germline.
Comment: The p.R2G variant (also known as c.4C>G), located in coding exon 1 of the FBN1 gene, results from a C to G substitution at nucleotide position 4. The arginine at codon 2 is replaced by glycine, an amino acid with dissimilar properties. This amino acid position is well conserved in available vertebrate species. In addition, this alteration is predicted to be tolerated by in silico analysis. Since supporting evidence is limited at this time, the clinical significance of this alteration remains unclear.

ARUP Laboratories, Molecular Genetics and Genomics, ARUP Laboratories
Classification: Uncertain significance. Last evaluated: 2018-09-06. Review status: criteria provided, single submitter. Criteria: ARUP Molecular Germline Variant Investigation Process. Collection method: clinical testing. Allele origin: germline.
Comment: The FBN1 c.4C>G; p.Arg2Gly variant, to our knowledge, is not reported in the medical literature or gene specific databases. This variant is also absent from general population databases (1000 Genomes Project, Exome Variant Server, and Genome Aggregation Database), indicating it is not a common polymorphism. The arginine at codon 2 is weakly conserved, and computational analyses (SIFT: tolerated, PolyPhen-2: possibly damaging) predict conflicting effects of this variant on protein structure/function. Due to limited information, the clinical significance of the p.Arg2Gly variant is uncertain at this time.

NM_000138.5(FBN1):c.4C>G (p.Arg2Gly)

Gene: FBN1 (fibrillin 1; minus strand). Cytogenetic location: 15q21.1.
Variant type: single nucleotide variant.
Coding change: c.4C>G on transcript NM_000138.5 (MANE Select); coding-DNA position 4, C replaced by G.
Protein change: p.Arg2Gly; replaces arginine 2 with glycine.
Molecular consequence: missense variant.
Genome position (GRCh38, 1-based): chr15:48,644,766, G>C on the plus strand (C>G on the coding strand, the complement: FBN1 is on the minus strand). VCF-style: chr15-48644766-G-C. GRCh37 (hg19) VCF-style: chr15-48936963-G-C.
Other names: short protein forms R2G.
Identifiers: ClinVar variation 811134 (VCV000811134.9), dbSNP rs1597652545, ClinGen allele CA392454048.
Genomic context (GRCh38, chr15:48,644,766, plus strand): 5'-TCGTGTAGGACGCTAAAAGCACGGTAAATCCCAGGGCGATCTCCAGCAGACGCCCTCGAC[G>C]CATGATGCCGAGCCGCCACCGGCTCCCGCCGCCTCTTGCCGCGCCCGGGGCTCGGTCTGC-3'
Protein context (NP_000129.3, residues 1-12): M[Arg2Gly]RGRLLEIALG